The following is an entry in ClinVar:

NM_001276345.2(TNNT2):c.601-15G>C

Gene: TNNT2 (troponin T2, cardiac type; minus strand). Cytogenetic location: 1q32.1.
Variant type: single nucleotide variant.
Coding change: c.601-15G>C on transcript NM_001276345.2 (MANE Select); 15 bases into the intron before coding-DNA position 601, G replaced by C.
Molecular consequence: intron variant.
Genome position (GRCh38, 1-based): chr1:201,362,409, C>G on the plus strand (G>C on the coding strand, the complement: TNNT2 is on the minus strand). VCF-style: chr1-201362409-C-G. GRCh37 (hg19) VCF-style: chr1-201331537-C-G.
Other names: c.571-387G>C (NM_001406727.1, NM_001001431.3, NM_001406726.1); c.571-15G>C (NM_001406724.1, NM_001001430.3, NM_001276347.2); c.556-18G>C (NM_001001432.3); c.556-15G>C (NM_001406728.1); c.568-15G>C (NM_001406725.1); c.481-387G>C (NM_001276346.2); c.601-387G>C (NM_000364.4, NM_001406723.1).
Identifiers: ClinVar variation 3070439 (VCV003070439.3), dbSNP rs769280371, ClinGen allele CA35419127.

ClinVar aggregate classification (germline): Conflicting classifications of pathogenicity. Review status: criteria provided, conflicting classifications (1 of 4 stars). 2 submissions from 2 submitters: Uncertain significance (1); Likely benign (1). Last evaluated 2024-03-06.

Conditions:
Hypertrophic cardiomyopathy 2. Also called: TNNT2-Related Familial Hypertrophic Cardiomyopathy. Identifiers: MedGen C1861864, MONDO:0007266, OMIM 115195.
Dilated cardiomyopathy 1D. Identifiers: Orphanet 154, Orphanet 54260, MedGen C1832243, MONDO:0011095, OMIM 601494.
Cardiomyopathy, familial restrictive, 3. Identifiers: Orphanet 75249, MedGen C2676271, MONDO:0012900, OMIM 612422.
Cardiomyopathy (CMYO). Also called: Cardiomyopathies. Identifiers: Orphanet 167848, MedGen C0878544, MONDO:0004994, HP:0001638. Inheritance: Various modes of inheritance.

Allele frequency attached by ClinVar (database versions not stated): gnomAD exomes below 0.00001.
gnomAD v4.1: 2 of 1,613,680 alleles (0.00012%); highest among the groups gnomAD compares: Admixed American, 0.0017%; no homozygotes.

Submissions (2):

Labcorp Genetics (formerly Invitae), Labcorp
Classification: Likely benign for Cardiomyopathy, familial restrictive, 3; Hypertrophic cardiomyopathy 2; Dilated cardiomyopathy 1D. Last evaluated: 2024-03-06. Review status: criteria provided, single submitter. Criteria: Invitae Variant Classification Sherloc (09022015). Collection method: clinical testing. Allele origin: germline.

All of Us Research Program, National Institutes of Health
Classification: Uncertain significance for Cardiomyopathy. Last evaluated: 2023-06-27. Review status: criteria provided, single submitter. Criteria: ACMG Guidelines, 2015. Collection method: clinical testing. Allele origin: germline. Inheritance: Autosomal dominant inheritance. Observed: 2 variant alleles, 2 heterozygotes.
Comment: This variant causes a G to C nucleotide substitution at the -15 position of intron 11 of the TNNT2 gene. Splice prediction tools and conservation analysis are inconclusive regarding the impact of this variant on RNA splicing. To our knowledge, functional studies have not been reported for this variant. This variant has not been reported in individuals affected with TNNT2-related disorders in the literature. This variant has not been identified in the general population by the Genome Aggregation Database (gnomAD). The available evidence is insufficient to determine the role of this variant in disease conclusively. Therefore, this variant is classified as a Variant of Uncertain Significance.

This study involves interpretation of variants in research participants for the purpose of population health screening. Participant phenotype was not available at the time of variant classification. Additional details can be found in publication PMID: 35346344, PMCID: PMC8962531